The following is an entry in ClinVar:

NM_001211.6(BUB1B):c.2915T>C (p.Phe972Ser)

Genes: BUB1B (BUB1 mitotic checkpoint serine/threonine kinase B; plus strand), BUB1B-PAK6 (BUB1B-PAK6 readthrough; plus strand). Cytogenetic location: 15q15.1.
Variant type: single nucleotide variant.
Coding change: c.2915T>C on transcript NM_001211.6 (MANE Select); coding-DNA position 2915, T replaced by C.
Protein change: p.Phe972Ser; replaces phenylalanine 972 with serine.
Molecular consequence: missense variant. On other transcripts: intron variant (2).
Genome position (GRCh38, 1-based): chr15:40,218,520, T>C. VCF-style: chr15-40218520-T-C. GRCh37 (hg19) VCF-style: chr15-40510721-T-C.
Other names: c.-201+853T>C (NM_001128628.3); c.-118+853T>C (NM_001128629.3); short protein forms F972S.
Identifiers: ClinVar variation 3826122 (VCV003826122.1).
Genomic context (GRCh38, chr15:40,218,520, plus strand): 5'-ACCTGTTTGGTATAGCAGATTTAGCACATTTACTATTGTTCAAGGAACACCTACAGGTCT[T>C]CTGGGATGGGTCCTTCTGGAAACTTAGCCAAAATATTTCTGAGTAAGTATTGATGAATGT-3'
Protein context (NP_001202.5, residues 962-982): LLLFKEHLQV[Phe972Ser]WDGSFWKLSQ

ClinVar aggregate classification (germline): Uncertain significance (1 of 4 stars; one submission).

Conditions:
Inborn genetic diseases. Identifiers: MedGen C0950123, MeSH D030342.

gnomAD v4.1: 2 of 1,614,160 alleles (0.00012%); highest among the groups gnomAD compares: Non-Finnish European, 0.00017%; no homozygotes.

Submission:

Ambry Genetics
Classification: Uncertain significance for Inborn genetic diseases. Last evaluated: 2025-02-22. Review status: criteria provided, single submitter. Criteria: Ambry Variant Classification Scheme 2023. Collection method: clinical testing. Allele origin: germline.
Comment: The p.F972S variant (also known as c.2915T>C), located in coding exon 22 of the BUB1B gene, results from a T to C substitution at nucleotide position 2915. The phenylalanine at codon 972 is replaced by serine, an amino acid with highly dissimilar properties. This amino acid position is conserved. In addition, this alteration is predicted to be tolerated by in silico analysis. Based on the available evidence, the clinical significance of this variant remains unclear.